The following is an entry in ClinVar:

NM_014251.3(SLC25A13):c.535dup (p.Thr179fs)

Gene: SLC25A13 (solute carrier family 25 member 13; minus strand). Cytogenetic location: 7q21.3.
Variant type: Duplication.
Coding change: c.535dup on transcript NM_014251.3 (MANE Select); coding-DNA position 535, one base duplicated (A; older notation c.535dupA).
Protein change: p.Thr179fs; shifts the reading frame from threonine 179.
Molecular consequence: frameshift variant. On other transcripts: non-coding transcript variant (1).
Genome position (GRCh38, 1-based): chr7:96,193,117, T duplicated on the plus strand (A on the coding strand, the reverse complement: SLC25A13 is on the minus strand). VCF-style (leftmost placement, unchanged base first): chr7-96193116-G-GT. GRCh37 (hg19) VCF-style: chr7-95822428-G-GT.
Other names: c.535dup, p.Thr179fs (NM_001160210.2); short protein forms T179fs.
Identifiers: ClinVar variation 2031980 (VCV002031980.4), dbSNP rs2485838622, ClinGen allele CA2580077926.

ClinVar aggregate classification (germline): Pathogenic (1 of 4 stars; one submission).

Conditions:
Citrin deficiency. Identifiers: Orphanet 247582, MedGen C1997910, MONDO:0016602.

Submission:

Labcorp Genetics (formerly Invitae), Labcorp
Classification: Pathogenic for Citrin deficiency. Last evaluated: 2022-09-23. Review status: criteria provided, single submitter. Criteria: Invitae Variant Classification Sherloc (09022015). Collection method: clinical testing. Allele origin: germline.
Comment: This sequence change creates a premature translational stop signal (p.Thr179Asnfs*38) in the SLC25A13 gene. It is expected to result in an absent or disrupted protein product. Loss-of-function variants in SLC25A13 are known to be pathogenic (PMID: 10369257, 14680984, 27405544). This variant is not present in population databases (gnomAD no frequency). This variant has not been reported in the literature in individuals affected with SLC25A13-related conditions. For these reasons, this variant has been classified as Pathogenic.

Literature cited by the submitters: PubMed 10369257; PubMed 14680984; PubMed 27405544.